The following is an entry in ClinVar:

ClinVar aggregate classification (germline): Uncertain significance (1 of 4 stars; one submission).

Conditions:
Immunodeficiency 67. Also called: Immunodeficiency due to interleukin-1 receptor-associated kinase-4 deficiency. Identifiers: Orphanet 70592, MedGen C1843256, MONDO:0011888, OMIM 607676.

Allele frequency attached by ClinVar (database versions not stated): gnomAD exomes 0.00002; ExAC 0.00003.
gnomAD v4.1: 27 of 1,613,484 alleles (0.0017%); highest among the groups gnomAD compares: Non-Finnish European, 0.0023%; no homozygotes.

Submission:

Labcorp Genetics (formerly Invitae), Labcorp
Classification: Uncertain significance for Immunodeficiency 67. Last evaluated: 2021-04-28. Review status: criteria provided, single submitter. Criteria: Invitae Variant Classification Sherloc (09022015). Collection method: clinical testing. Allele origin: germline.
Comment: In summary, the available evidence is currently insufficient to determine the role of this variant in disease. Therefore, it has been classified as a Variant of Uncertain Significance. Algorithms developed to predict the effect of missense changes on protein structure and function (SIFT, PolyPhen-2, Align-GVGD) all suggest that this variant is likely to be tolerated, but these predictions have not been confirmed by published functional studies and their clinical significance is uncertain. This variant has not been reported in the literature in individuals with IRAK4-related conditions. This variant is present in population databases (rs752890848, ExAC 0.006%). This sequence change replaces lysine with glutamine at codon 3 of the IRAK4 protein (p.Lys3Gln). The lysine residue is moderately conserved and there is a small physicochemical difference between lysine and glutamine.

NM_016123.4(IRAK4):c.7A>C (p.Lys3Gln)

Gene: IRAK4 (interleukin 1 receptor associated kinase 4; plus strand). Cytogenetic location: 12q12.
Variant type: single nucleotide variant.
Coding change: c.7A>C on transcript NM_016123.4 (MANE Select); coding-DNA position 7, A replaced by C.
Protein change: p.Lys3Gln; replaces lysine 3 with glutamine.
Molecular consequence: missense variant. On other transcripts: 5 prime UTR variant (8), intron variant (2).
Genome position (GRCh38, 1-based): chr12:43,768,118, A>C. VCF-style: chr12-43768118-A-C. GRCh37 (hg19) VCF-style: chr12-44161921-A-C.
Other names: c.7A>C, p.Lys3Gln (NM_001114182.3, NM_001351345.2); c.-220A>C (NM_001145256.2, NM_001145257.2, NM_001351338.2); c.-433A>C (NM_001351339.2, NM_001351340.2, NM_001351341.2); c.-371A>C (NM_001351343.2, NM_001351344.2); c.-278-2920A>C (NM_001351342.2); c.-65-4062A>C (NM_001145258.2); short protein forms K3Q.
Identifiers: ClinVar variation 1373791 (VCV001373791.8), dbSNP rs752890848, ClinGen allele CA6522259.
Genomic context (GRCh38, chr12:43,768,118, plus strand): 5'-TCTAAAAGTACTGTAAAATTTTAATGAGATTTTTCCATATTTTAGGAATAGAAGATGAAC[A>C]AACCCATAACACCATCAACATATGTGCGCTGCCTCAATGTTGGACTAATTAGGAAGCTGT-3'
Protein context (NP_057207.2, residues 1-13): MN[Lys3Gln]PITPSTYVRC